The following is an entry in ClinVar:

NM_032237.5(POMK):c.615dup (p.Asn206fs)

Gene: POMK (protein O-mannose kinase; plus strand). Cytogenetic location: 8p11.21.
Variant type: Duplication.
Coding change: c.615dup on transcript NM_032237.5 (MANE Select); coding-DNA position 615, one base duplicated (C; older notation c.615dupC).
Protein change: p.Asn206fs; shifts the reading frame from asparagine 206.
Molecular consequence: frameshift variant.
Genome position (GRCh38, 1-based): chr8:43,122,439, C duplicated; the last of 2 consecutive C bases (chr8:43,122,438-43,122,439); duplicating either gives the same sequence. VCF-style (leftmost placement, unchanged base first): chr8-43122437-T-TC. GRCh37 (hg19) VCF-style: chr8-42977580-T-TC.
Other names: c.615dup, p.Asn206fs (NM_001277971.2); short protein forms N206fs.
Identifiers: ClinVar variation 2635081 (VCV002635081.1), dbSNP rs2486780520, ClinGen allele CA2695199724.
Genomic context (GRCh38, chr8:43,122,437, plus strand): 5'-TATGTCAGCATCATTAATTACCTGCACCACAGCCCTGTGGGCACACGGGTCATGTGCGAC[T>TC]CCAACGACCTGCCGAAGACACTGTCCCAGTATCTGCTAACAAGCAACTTCAGCATTTTGG-3'

ClinVar aggregate classification (germline): Likely pathogenic (1 of 4 stars; one submission).

Conditions:
POMK-related disorder. Also called: POMK-related condition.

Submission:

PreventionGenetics, part of Exact Sciences
Classification: Likely pathogenic for POMK-related condition. Last evaluated: 2022-12-12. Review status: criteria provided, single submitter. Criteria: ACMG Guidelines, 2015. Collection method: clinical testing. Allele origin: germline.
Comment: The POMK c.615dupC variant is predicted to result in a frameshift and premature protein termination (p.Asn206Glnfs*22). To our knowledge, this variant has not been reported in the literature or in a large population database, indicating this variant is rare. Frameshift variants in POMK are expected to be pathogenic. Truncating variants in the 3' or 5' surrounding region of this variant have been reported to be pathogenic for muscular dystrophy-dystroglycanopathy (congenital with brain and eye anomalies), type A, 12 (Paul. 2020. PubMed ID: 32907597). This variant is interpreted as likely pathogenic.